The following is an entry in ClinVar:

ClinVar aggregate classification (germline): Likely benign. Review status: reviewed by expert panel (3 of 4 stars). 4 submissions from 4 submitters: Likely benign (1). 3 of the submissions do not count toward it. Last evaluated 2017-06-29.

Conditions:
Hereditary cancer-predisposing syndrome. Also called: Hereditary neoplastic syndrome; Hereditary Cancer Syndrome; Neoplastic Syndromes, Hereditary; Tumor predisposition. Identifiers: Orphanet 140162, MedGen C0027672, MeSH D009386, MONDO:0015356.
Breast-ovarian cancer, familial, susceptibility to, 2 (BROVCA2). Also called: BRCA2 Hereditary Breast and Ovarian Cancer. Identifiers: Orphanet 145, MedGen C2675520, MONDO:0012933, OMIM 612555. Disease mechanism: loss of function.
Hereditary breast ovarian cancer syndrome. Also called: Hereditary breast and ovarian cancer syndrome; BRCA1- and BRCA2-Associated Hereditary Breast and Ovarian Cancer; Hereditary breast and/or ovarian cancer syndrome; Hereditary breast and ovarian cancer; Breast and ovarian cancer; Hereditary breast and ovarian cancer syndrome (HBOC). Identifiers: Orphanet 145, MedGen C0677776, MeSH D061325, MONDO:0003582. Disease mechanism: loss of function.

Allele frequency attached by ClinVar (database versions not stated): gnomAD exomes below 0.00001; TOPMed below 0.00001; ExAC 0.00001; gnomAD 0.00001.
gnomAD v4.1: 2 of 1,613,638 alleles (0.00012%); highest among the groups gnomAD compares: East Asian, 0.0022%; no homozygotes.

Submissions (4):

Evidence-based Network for the Interpretation of Germline Mutant Alleles (ENIGMA)
Classification: Likely benign for Breast-ovarian cancer, familial, susceptibility to, 2. Last evaluated: 2017-06-29. Review status: reviewed by expert panel. Criteria: ENIGMA BRCA1/2 Classification Criteria (2017-06-29). Collection method: curation. Allele origin: germline.
Comment: Synonymous substitution variant, with low bioinformatic likelihood to result in a splicing aberration (Splicing prior probability 0.02).

Labcorp Genetics (formerly Invitae), Labcorp
Classification: Likely benign for Hereditary breast ovarian cancer syndrome. Last evaluated: 2025-08-24. Review status: criteria provided, single submitter. Criteria: Invitae Variant Classification Sherloc (09022015). Collection method: clinical testing. Allele origin: germline. Not counted in ClinVar's aggregate classification.

Ambry Genetics
Classification: Likely benign for Hereditary cancer-predisposing syndrome. Last evaluated: 2023-07-19. Review status: criteria provided, single submitter. Criteria: Ambry Variant Classification Scheme 2023. Collection method: clinical testing. Allele origin: germline. Not counted in ClinVar's aggregate classification.

Quest Diagnostics Nichols Institute San Juan Capistrano
Classification: Likely benign. Last evaluated: 2023-03-23. Review status: criteria provided, single submitter. Criteria: Quest Diagnostics criteria. Collection method: clinical testing. Allele origin: unknown. Not counted in ClinVar's aggregate classification.

NM_000059.4(BRCA2):c.5841T>C (p.Pro1947=)

Gene: BRCA2 (BRCA2 DNA repair associated; plus strand). Cytogenetic location: 13q13.1.
Variant type: single nucleotide variant.
Coding change: c.5841T>C on transcript NM_000059.4 (MANE Select); coding-DNA position 5841, T replaced by C.
Protein change: p.Pro1947=; no amino-acid change (proline 1947 retained).
Molecular consequence: synonymous variant.
Genome position (GRCh38, 1-based): chr13:32,340,196, T>C. VCF-style: chr13-32340196-T-C. GRCh37 (hg19) VCF-style: chr13-32914333-T-C.
Identifiers: ClinVar variation 427466 (VCV000427466.13), dbSNP rs751397718, ClinGen allele CA6940905.